The following is an entry in ClinVar:

ClinVar aggregate classification (germline): Uncertain significance (1 of 4 stars; one submission).

Allele frequency attached by ClinVar (database versions not stated): gnomAD 0.00001; gnomAD exomes 0.00001.

Submission:

Labcorp Genetics (formerly Invitae), Labcorp
Classification: Uncertain significance. Last evaluated: 2024-10-21. Review status: criteria provided, single submitter. Criteria: Invitae Variant Classification Sherloc (09022015). Collection method: clinical testing. Allele origin: germline.
Comment: This sequence change falls in intron 4 of the DTHD1 gene. It does not directly change the encoded amino acid sequence of the DTHD1 protein. It affects a nucleotide within the consensus splice site. This variant is present in population databases (no rsID available, gnomAD 0.002%). This variant has not been reported in the literature in individuals affected with DTHD1-related conditions. ClinVar contains an entry for this variant (Variation ID: 1468378). Variants that disrupt the consensus splice site are a relatively common cause of aberrant splicing (PMID: 17576681, 9536098). Algorithms developed to predict the effect of sequence changes on RNA splicing suggest that this variant may disrupt the consensus splice site. In summary, the available evidence is currently insufficient to determine the role of this variant in disease. Therefore, it has been classified as a Variant of Uncertain Significance.

Literature cited by the submitters: PubMed 17576681; PubMed 9536098.

NM_001170700.3(DTHD1):c.1643+4A>T

Gene: DTHD1 (death domain containing 1; plus strand). Cytogenetic location: 4p14.
Variant type: single nucleotide variant.
Coding change: c.1643+4A>T on transcript NM_001170700.3 (MANE Select); 4 bases into the intron after coding-DNA position 1643, A replaced by T.
Molecular consequence: intron variant.
Genome position (GRCh38, 1-based): chr4:36,295,043, A>T. VCF-style: chr4-36295043-A-T. GRCh37 (hg19) VCF-style: chr4-36296665-A-T.
Other names: c.773+4A>T (NM_001136536.5); c.710+4A>T (NM_001378435.1).
Identifiers: ClinVar variation 1468378 (VCV001468378.6), dbSNP rs1283683822, ClinGen allele CA551141762.